The following is an entry in ClinVar:

ClinVar aggregate classification (germline): Uncertain significance (1 of 4 stars; one submission).

Allele frequency attached by ClinVar (database versions not stated): ExAC 0.00001.
gnomAD v4.1: 14 of 1,614,084 alleles (0.00087%); highest among the groups gnomAD compares: Non-Finnish European, 0.0012%; no homozygotes.

Submission:

Labcorp Genetics (formerly Invitae), Labcorp
Classification: Uncertain significance. Last evaluated: 2022-08-15. Review status: criteria provided, single submitter. Criteria: Invitae Variant Classification Sherloc (09022015). Collection method: clinical testing. Allele origin: germline.
Comment: In summary, the available evidence is currently insufficient to determine the role of this variant in disease. Therefore, it has been classified as a Variant of Uncertain Significance. Algorithms developed to predict the effect of missense changes on protein structure and function are either unavailable or do not agree on the potential impact of this missense change (SIFT: "Not Available"; PolyPhen-2: "Possibly Damaging"; Align-GVGD: "Not Available"). ClinVar contains an entry for this variant (Variation ID: 1060713). This variant has not been reported in the literature in individuals affected with CDH3-related conditions. This variant is present in population databases (rs779901925, gnomAD 0.0009%). This sequence change replaces leucine, which is neutral and non-polar, with valine, which is neutral and non-polar, at codon 687 of the CDH3 protein (p.Leu687Val).

NM_001793.6(CDH3):c.2059C>G (p.Leu687Val)

Gene: CDH3 (cadherin 3; plus strand). Cytogenetic location: 16q22.1.
Variant type: single nucleotide variant.
Coding change: c.2059C>G on transcript NM_001793.6 (MANE Select); coding-DNA position 2059, C replaced by G.
Protein change: p.Leu687Val; replaces leucine 687 with valine.
Molecular consequence: missense variant.
Genome position (GRCh38, 1-based): chr16:68,695,311, C>G. VCF-style: chr16-68695311-C-G. GRCh37 (hg19) VCF-style: chr16-68729214-C-G.
Other names: c.2059C>G, p.Leu687Val (NM_001317195.3); c.1894C>G, p.Leu632Val (NM_001317196.2); short protein forms L632V, L687V.
Identifiers: ClinVar variation 1060713 (VCV001060713.9), dbSNP rs779901925, ClinGen allele CA8129558.